The following is an entry in ClinVar:

NM_014915.3(ANKRD26):c.-138C>G

Gene: ANKRD26 (ankyrin repeat domain 26; minus strand). Cytogenetic location: 10p12.1.
Variant type: single nucleotide variant.
Coding change: c.-138C>G on transcript NM_014915.3 (MANE Select); 138 bases upstream of the start codon, C replaced by G.
Molecular consequence: 5 prime UTR variant.
Genome position (GRCh38, 1-based): chr10:27,100,464, G>C on the plus strand (C>G on the coding strand, the complement: ANKRD26 is on the minus strand). VCF-style: chr10-27100464-G-C. GRCh37 (hg19) VCF-style: chr10-27389393-G-C.
Other names: c.-138C>G (NM_001256053.2).
Identifiers: ClinVar variation 299770 (VCV000299770.8), dbSNP rs886046950, ClinGen allele CA10635620.

ClinVar aggregate classification (germline): Uncertain significance. Review status: criteria provided, multiple submitters, no conflicts (2 of 4 stars). 2 submissions from 2 submitters: Uncertain significance (2). Last evaluated 2025-09-30.

Conditions:
Thrombocytopenia 2 (THC2). Also called: ANKRD26-Related Thrombocytopenia. Identifiers: Orphanet 268322, MedGen C1861185, MONDO:0008555, OMIM 188000.

Allele frequency attached by ClinVar (database versions not stated): gnomAD 0.00001; TOPMed 0.00002.
gnomAD v4.1: 14 of 1,302,626 alleles (0.0011%); highest among the groups gnomAD compares: Non-Finnish European, 0.0015%; no homozygotes.

Submissions (2):

Labcorp Genetics (formerly Invitae), Labcorp
Classification: Uncertain significance. Last evaluated: 2025-09-30. Review status: criteria provided, single submitter. Criteria: Invitae Variant Classification Sherloc (09022015). Collection method: clinical testing. Allele origin: germline.
Comment: This variant occurs in a non-coding region of the ANKRD26 gene. It does not change the encoded amino acid sequence of the ANKRD26 protein. This variant is not present in population databases (gnomAD no frequency). This variant has not been reported in the literature in individuals affected with ANKRD26-related conditions. ClinVar contains an entry for this variant (Variation ID: 299770). In summary, the available evidence is currently insufficient to determine the role of this variant in disease. Therefore, it has been classified as a Variant of Uncertain Significance.

Illumina Laboratory Services, Illumina
Classification: Uncertain significance for Thrombocytopenia 2. Last evaluated: 2018-01-13. Review status: criteria provided, single submitter. Criteria: ICSL Variant Classification Criteria 13 December 2019. Collection method: clinical testing. Allele origin: germline.